The following is an entry in ClinVar:

ClinVar aggregate classification (germline): Uncertain significance (1 of 4 stars; one submission).

Submission:

Labcorp Genetics (formerly Invitae), Labcorp
Classification: Uncertain significance. Last evaluated: 2023-08-17. Review status: criteria provided, single submitter. Criteria: Invitae Variant Classification Sherloc (09022015). Collection method: clinical testing. Allele origin: germline.
Comment: This variant is a gross deletion of the genomic region encompassing exon(s) 2 of the SLC25A42 gene, which includes the initiator codon. This deletion extends beyond the assayed region for this gene and therefore may encompass additional genes. It is expected to result in an absent or disrupted protein product. However, the current clinical and genetic evidence is not sufficient to establish whether loss-of-function variants in SLC25A42 cause disease. In summary, the available evidence is currently insufficient to determine the role of this variant in disease. Therefore, it has been classified as a Variant of Uncertain Significance. This variant has not been reported in the literature in individuals affected with SLC25A42-related conditions.

NC_000019.9:g.(?_19206934)_(19207034_?)del

Gene: SLC25A42 (solute carrier family 25 member 42; plus strand). Cytogenetic location: 19p13.11.
Variant type: Deletion.
Identifiers: ClinVar variation 1412925 (VCV001412925.7).